The following is an entry in ClinVar:

NM_024426.6(WT1):c.1496C>G (p.Ala499Gly)

Gene: WT1 (WT1 transcription factor; minus strand). Cytogenetic location: 11p13.
Variant type: single nucleotide variant.
Coding change: c.1496C>G on transcript NM_024426.6 (MANE Select); coding-DNA position 1496, C replaced by G.
Protein change: p.Ala499Gly; replaces alanine 499 with glycine.
Molecular consequence: missense variant. On other transcripts: non-coding transcript variant (1).
Genome position (GRCh38, 1-based): chr11:32,389,131, G>C on the plus strand (C>G on the coding strand, the complement: WT1 is on the minus strand). VCF-style: chr11-32389131-G-C. GRCh37 (hg19) VCF-style: chr11-32410677-G-C.
Other names: c.1436C>G, p.Ala479Gly (NM_000378.6); c.836C>G, p.Ala279Gly (NM_001198551.2); c.794C>G, p.Ala265Gly (NM_001198552.2); c.308C>G, p.Ala103Gly (NM_001367854.1); c.1481C>G, p.Ala494Gly (NM_001407044.1); c.1445C>G, p.Ala482Gly (NM_001407045.1); c.1403C>G, p.Ala468Gly (NM_001407046.1); c.1364C>G, p.Ala455Gly (NM_001407047.1); and 6 more; short protein forms A103G, A279G, A479G, A496G, A499G, A265G, A452G, A482G.
Identifiers: ClinVar variation 1391355 (VCV001391355.7), dbSNP rs2132898997, ClinGen allele CA379957661.

ClinVar aggregate classification (germline): Uncertain significance (1 of 4 stars; one submission).

Conditions:
Drash syndrome (DDS). Also called: NEPHROPATHY, WILMS TUMOR, AND GENITAL ANOMALIES; WILMS TUMOR AND PSEUDO- OR TRUE HERMAPHRODITISM. Identifiers: Orphanet 220, MedGen C0950121, MONDO:0008682, OMIM 194080.
Frasier syndrome. Identifiers: Orphanet 347, MedGen C0950122, MeSH D052159, MONDO:0007635, OMIM 136680.
Wilms tumor 1 (WT1). Also called: Wilms tumor, somatic. Identifiers: Orphanet 654, MedGen CN033288, MONDO:0008679, OMIM 194070.
11p partial monosomy syndrome (WAGR). Also called: WAGR Complex; WAGR Spectrum Disorder; CHROMOSOME 11p13 DELETION SYNDROME; WAGR syndrome. Identifiers: Orphanet 893, MedGen C0206115, MONDO:0008681, OMIM 194072.

Submission:

Labcorp Genetics (formerly Invitae), Labcorp
Classification: Uncertain significance for Wilms tumor 1; Drash syndrome; 11p partial monosomy syndrome; Frasier syndrome. Last evaluated: 2021-11-05. Review status: criteria provided, single submitter. Criteria: Invitae Variant Classification Sherloc (09022015). Collection method: clinical testing. Allele origin: germline.
Comment: In summary, the available evidence is currently insufficient to determine the role of this variant in disease. Therefore, it has been classified as a Variant of Uncertain Significance. Algorithms developed to predict the effect of missense changes on protein structure and function (SIFT, PolyPhen-2, Align-GVGD) all suggest that this variant is likely to be disruptive. This variant has not been reported in the literature in individuals affected with WT1-related conditions. This variant is not present in population databases (gnomAD no frequency). This sequence change replaces alanine, which is neutral and non-polar, with glycine, which is neutral and non-polar, at codon 494 of the WT1 protein (p.Ala494Gly).